The following is an entry in ClinVar:

ClinVar aggregate classification (germline): Pathogenic (1 of 4 stars; one submission).

Submission:

Labcorp Genetics (formerly Invitae), Labcorp
Classification: Pathogenic. Last evaluated: 2023-07-17. Review status: criteria provided, single submitter. Criteria: Invitae Variant Classification Sherloc (09022015). Collection method: clinical testing. Allele origin: germline.
Comment: For these reasons, this variant has been classified as Pathogenic. This variant has not been reported in the literature in individuals affected with PLK4-related conditions. This variant is not present in population databases (gnomAD no frequency). This sequence change creates a premature translational stop signal (p.Thr215Serfs*7) in the PLK4 gene. It is expected to result in an absent or disrupted protein product. Loss-of-function variants in PLK4 are known to be pathogenic (PMID: 25320347, 30842647).

Literature cited by the submitters: PubMed 25320347; PubMed 30842647.

NM_014264.5(PLK4):c.644_645del (p.Thr215fs)

Gene: PLK4 (polo like kinase 4; plus strand). Cytogenetic location: 4q28.1.
Variant type: Microsatellite.
Coding change: c.644_645del on transcript NM_014264.5 (MANE Select); coding-DNA positions 644 to 645, 2 bases deleted (CA; older notation c.644_645delCA).
Protein change: p.Thr215fs; shifts the reading frame from threonine 215.
Molecular consequence: frameshift variant.
Genome position (GRCh38, 1-based): chr4:127,886,014-127,886,015, CA deleted; deleting any 2 consecutive bases within chr4:127,886,011-127,886,015 gives the same sequence; the c. name uses the placement nearest the transcript's 3' end. VCF-style (leftmost placement, unchanged base first): chr4-127886010-GAC-G. GRCh37 (hg19) VCF-style: chr4-128807165-GAC-G.
Other names: c.548_549del, p.Thr183fs (NM_001190799.2); c.521_522del, p.Thr174fs (NM_001190801.2); short protein forms T174fs, T183fs, T215fs.
Identifiers: ClinVar variation 2095296 (VCV002095296.4), dbSNP rs2546012542, ClinGen allele CA2580616775.
Genomic context (GRCh38, chr4:127,886,010, plus strand): 5'-GTTTGGTCCCTGGGCTGTATGTTTTATACATTACTTATCGGGAGACCACCCTTCGACACT[GAC>G]ACAGTCAAGAACACATTAAATAAAGTAGTATTGGCAGATTATGAAATGCCATCTTTTTTG-3'